The following is an entry in ClinVar:

ClinVar aggregate classification (germline): Uncertain significance (1 of 4 stars; one submission).

Conditions:
POLD1-related polyposis and colorectal cancer syndrome (CRCS10). Also called: Colorectal cancer 10; COLORECTAL CANCER, SUSCEPTIBILITY TO, ON CHROMOSOME 19q; Colorectal cancer, susceptibility to, 10. Identifiers: Orphanet 220460, MedGen C2675481, MONDO:0012953, OMIM 612591.

gnomAD v4.1: 1 of 1,610,888 alleles (0.000062%); highest among the groups gnomAD compares: Non-Finnish European, 0.000085%; no homozygotes.

Submission:

Labcorp Genetics (formerly Invitae), Labcorp
Classification: Uncertain significance for POLD1-related polyposis and colorectal cancer syndrome. Last evaluated: 2022-04-26. Review status: criteria provided, single submitter. Criteria: Invitae Variant Classification Sherloc (09022015). Collection method: clinical testing. Allele origin: germline.
Comment: This variant is not present in population databases (gnomAD no frequency). In summary, the available evidence is currently insufficient to determine the role of this variant in disease. Therefore, it has been classified as a Variant of Uncertain Significance. Variants that disrupt the consensus splice site are a relatively common cause of aberrant splicing (PMID: 17576681, 9536098). Algorithms developed to predict the effect of sequence changes on RNA splicing suggest that this variant may create or strengthen a splice site. This variant has not been reported in the literature in individuals affected with POLD1-related conditions. This sequence change falls in intron 9 of the POLD1 gene. It does not directly change the encoded amino acid sequence of the POLD1 protein. It affects a nucleotide within the consensus splice site.

Literature cited by the submitters: PubMed 17576681; PubMed 9536098.

NM_002691.4(POLD1):c.1138-3C>G

Gene: POLD1 (DNA polymerase delta 1, catalytic subunit; plus strand). Cytogenetic location: 19q13.33.
Variant type: single nucleotide variant.
Coding change: c.1138-3C>G on transcript NM_002691.4 (MANE Select); 3 bases into the intron before coding-DNA position 1138, C replaced by G.
Molecular consequence: intron variant.
Genome position (GRCh38, 1-based): chr19:50,403,490, C>G. VCF-style: chr19-50403490-C-G. GRCh37 (hg19) VCF-style: chr19-50906747-C-G.
Other names: c.1138-3C>G (NM_001256849.1, NM_001308632.1).
Identifiers: ClinVar variation 1464449 (VCV001464449.6), dbSNP rs200072694, ClinGen allele CA2573156576.